The following is an entry in ClinVar:

NM_001083619.3(GRIA2):c.686A>G (p.His229Arg)

Gene: GRIA2 (glutamate ionotropic receptor AMPA type subunit 2; plus strand). Cytogenetic location: 4q32.1.
Variant type: single nucleotide variant.
Coding change: c.686A>G on transcript NM_001083619.3 (MANE Select); coding-DNA position 686, A replaced by G.
Protein change: p.His229Arg; replaces histidine 229 with arginine.
Molecular consequence: missense variant.
Genome position (GRCh38, 1-based): chr4:157,317,677, A>G. VCF-style: chr4-157317677-A-G. GRCh37 (hg19) VCF-style: chr4-158238829-A-G.
Other names: c.686A>G, p.His229Arg (NM_000826.6); c.545A>G, p.His182Arg (NM_001083620.3, NM_001379000.3, NM_001379001.3); short protein forms H229R, H182R.
Identifiers: ClinVar variation 3731179 (VCV003731179.1).

ClinVar aggregate classification (germline): Uncertain significance (1 of 4 stars; one submission).

Submission:

GeneDx
Classification: Uncertain significance. Last evaluated: 2024-08-14. Review status: criteria provided, single submitter. Criteria: GeneDx Variant Classification Process June 2021. Collection method: clinical testing. Allele origin: germline. Affected: yes.
Comment: Not observed at significant frequency in large population cohorts (gnomAD); In silico analysis indicates that this missense variant does not alter protein structure/function; Has not been previously published as pathogenic or benign to our knowledge